The following is an entry in ClinVar:

ClinVar aggregate classification (germline): Likely pathogenic (1 of 4 stars; one submission).

Conditions:
Glycogen storage disease, type IV (GSD4). Also called: AMYLOPECTINOSIS; ANDERSEN DISEASE; BRANCHER DEFICIENCY; CIRRHOSIS, FAMILIAL, WITH DEPOSITION OF ABNORMAL GLYCOGEN; GBE1 DEFICIENCY; GLYCOGEN BRANCHING ENZYME DEFICIENCY. Identifiers: Orphanet 367, MedGen C0017923, MONDO:0009292, OMIM 232500.
Glycogen storage disease IV, classic hepatic. Also called: GSD IV, CLASSIC HEPATIC. Identifiers: MedGen C1856301.

Submission:

Labcorp Genetics (formerly Invitae), Labcorp
Classification: Likely pathogenic for Glycogen storage disease, type IV; Glycogen storage disease IV, classic hepatic. Last evaluated: 2021-04-22. Review status: criteria provided, single submitter. Criteria: Invitae Variant Classification Sherloc (09022015). Collection method: clinical testing. Allele origin: germline.
Comment: In summary, the currently available evidence indicates that the variant is pathogenic, but additional data are needed to prove that conclusively. Therefore, this variant has been classified as Likely Pathogenic. This variant has not been reported in the literature in individuals with GBE1-related conditions. This variant is not present in population databases (ExAC no frequency). This sequence change affects an acceptor splice site in intron 12 of the GBE1 gene. It is expected to disrupt RNA splicing. Variants that disrupt the donor or acceptor splice site typically lead to a loss of protein function (PMID: 16199547), and loss-of-function variants in GBE1 are known to be pathogenic (PMID: 15452297, 20058079).

Literature cited by the submitters: PubMed 16199547; PubMed 15452297; PubMed 20058079.

NM_000158.4(GBE1):c.1619-1G>A

Gene: GBE1 (1,4-alpha-glucan branching enzyme 1; minus strand). Cytogenetic location: 3p12.2.
Variant type: single nucleotide variant.
Coding change: c.1619-1G>A on transcript NM_000158.4 (MANE Select); the canonical splice acceptor site of the intron before coding-DNA position 1619, G replaced by A.
Molecular consequence: splice acceptor variant.
Genome position (GRCh38, 1-based): chr3:81,537,096, C>T on the plus strand (G>A on the coding strand, the complement: GBE1 is on the minus strand). VCF-style: chr3-81537096-C-T. GRCh37 (hg19) VCF-style: chr3-81586247-C-T.
Identifiers: ClinVar variation 1497835 (VCV001497835.8), dbSNP rs2106872434, ClinGen allele CA353686701.
Genomic context (GRCh38, chr3:81,537,096, plus strand): 5'-AACTCTCATTATTTCCTTTTCTTGGGAAGTCTAACCATTCAGGATGCCCAAATTCATTAC[C>T]TGCATTACAAAACACATGCAAATATCAGCCTATTAATATTAGAATTTCTTACTAATAATA-3'